The following is an entry in ClinVar:

NM_152419.3(HGSNAT):c.713C>T (p.Pro238Leu)

Gene: HGSNAT (heparan-alpha-glucosaminide N-acetyltransferase; plus strand). Cytogenetic location: 8p11.21.
Variant type: single nucleotide variant.
Coding change: c.713C>T on transcript NM_152419.3 (MANE Select); coding-DNA position 713, C replaced by T.
Protein change: p.Pro238Leu; replaces proline 238 with leucine.
Molecular consequence: missense variant. On other transcripts: 5 prime UTR variant (1).
Genome position (GRCh38, 1-based): chr8:43,170,664, C>T. VCF-style: chr8-43170664-C-T. GRCh37 (hg19) VCF-style: chr8-43025807-C-T.
Other names: c.713C>T, p.Pro238Leu (NM_001363227.2, NM_001363228.2); c.-121C>T (NM_001363229.2); short protein forms P238L.
Identifiers: ClinVar variation 641346 (VCV000641346.5), dbSNP rs1218261294, ClinGen allele CA371116215.

ClinVar aggregate classification (germline): Uncertain significance (1 of 4 stars; one submission).

Conditions:
Mucopolysaccharidosis, MPS-III-C (MPS3C). Also called: MPS IIIC (Sanfilippo Syndrome Type C); MPS III C; MUCOPOLYSACCHARIDOSIS, TYPE IIIC; SANFILIPPO SYNDROME C; Mucopolysaccharidosis type IIIC (Sanfilippo C); mucopolysaccharidosis type 3C. Identifiers: Orphanet 581, Orphanet 79271, MedGen C0086649, MONDO:0009657, OMIM 252930.
Retinitis pigmentosa 73 (RP73). Identifiers: Orphanet 791, MedGen C4225287, MONDO:0014687, OMIM 616544.

Allele frequency attached by ClinVar (database versions not stated): gnomAD 0.00001; gnomAD exomes 0.00001; TOPMed below 0.00001.

Submission:

Labcorp Genetics (formerly Invitae), Labcorp
Classification: Uncertain significance for Retinitis pigmentosa 73; Mucopolysaccharidosis, MPS-III-C. Last evaluated: 2022-02-11. Review status: criteria provided, single submitter. Criteria: Invitae Variant Classification Sherloc (09022015). Collection method: clinical testing. Allele origin: germline.
Comment: This sequence change replaces proline, which is neutral and non-polar, with leucine, which is neutral and non-polar, at codon 238 of the HGSNAT protein (p.Pro238Leu). This variant is not present in population databases (gnomAD no frequency). This variant has not been reported in the literature in individuals affected with HGSNAT-related conditions. ClinVar contains an entry for this variant (Variation ID: 641346). Advanced modeling of protein sequence and biophysical properties (such as structural, functional, and spatial information, amino acid conservation, physicochemical variation, residue mobility, and thermodynamic stability) performed at Invitae indicates that this missense variant is not expected to disrupt HGSNAT protein function. In summary, the available evidence is currently insufficient to determine the role of this variant in disease. Therefore, it has been classified as a Variant of Uncertain Significance.